The following is an entry in ClinVar:

NM_021074.5(NDUFV2):c.86T>C (p.Val29Ala)

Gene: NDUFV2 (NADH:ubiquinone oxidoreductase core subunit V2; plus strand). Cytogenetic location: 18p11.22.
Variant type: single nucleotide variant.
Coding change: c.86T>C on transcript NM_021074.5 (MANE Select); coding-DNA position 86, T replaced by C.
Protein change: p.Val29Ala; replaces valine 29 with alanine.
Molecular consequence: missense variant.
Genome position (GRCh38, 1-based): chr18:9,117,869, T>C. VCF-style: chr18-9117869-T-C. GRCh37 (hg19) VCF-style: chr18-9117867-T-C.
Other names: A29V; p.V29A:GTT>GCT; short protein forms V29A.
Identifiers: ClinVar variation 9054 (VCV000009054.35), dbSNP rs906807, ClinGen allele CA254625.
Genomic context (GRCh38, chr18:9,117,869, plus strand): 5'-CTAAACTTTCTTAAAATTTTAAATTTTAGGGAAGACATGTAAGGAATTTGCATAAGACAG[T>C]TATGCAAAATGGAGCTGGAGGAGCTTTATTTGTGGTAAGTAATTACTTAGATTTCTTTGG-3'
Protein context (NP_066552.2, residues 19-39): GRHVRNLHKT[Val29Ala]MQNGAGGALF

ClinVar aggregate classification (germline): Benign. Review status: criteria provided, multiple submitters, no conflicts (2 of 4 stars). 11 submissions from 11 submitters: Benign (8). 3 of the submissions do not count toward it. Last evaluated 2026-02-03.

Conditions:
Mitochondrial complex I deficiency, nuclear type 1. Also called: NADH-COENZYME Q REDUCTASE DEFICIENCY; MITOCHONDRIAL NADH DEHYDROGENASE COMPONENT OF COMPLEX I, DEFICIENCY OF. Identifiers: MedGen C6022305, MONDO:0100224, OMIM 252010.
Mitochondrial complex I deficiency, nuclear type 7. Also called: Mitochondrial complex 1 deficiency, nuclear type 7. Identifiers: MedGen C4748760, MONDO:0032612, OMIM 618229.
Parkinson disease, mitochondrial. Identifiers: MedGen C1838867, MONDO:0010796, OMIM 556500.

Allele frequency attached by ClinVar (database versions not stated): 1000 Genomes Project 0.77895; 1000 Genomes Project 30x 0.78061; gnomAD 0.78836 and 0.78974; TOPMed 0.78908; ExAC 0.80008; gnomAD exomes 0.81246.

Submissions (11):

Labcorp Genetics (formerly Invitae), Labcorp
Classification: Benign. Last evaluated: 2026-02-03. Review status: criteria provided, single submitter. Criteria: Invitae Variant Classification Sherloc (09022015). Collection method: clinical testing. Allele origin: germline.

Blueprint Genetics
Classification: Benign. Last evaluated: 2024-11-28. Review status: criteria provided, single submitter. Criteria: ACMG Guidelines, 2015. Collection method: clinical testing. Allele origin: germline.

ARUP Laboratories, Molecular Genetics and Genomics, ARUP Laboratories
Classification: Benign for Mitochondrial complex I deficiency, nuclear type 7. Last evaluated: 2023-11-29. Review status: criteria provided, single submitter. Criteria: ARUP Molecular Germline Variant Investigation Process 2024. Collection method: clinical testing. Allele origin: germline.

Genome-Nilou Lab
Classification: Benign for Mitochondrial complex I deficiency, nuclear type 7. Last evaluated: 2021-09-05. Review status: criteria provided, single submitter. Criteria: ACMG Guidelines, 2015. Collection method: clinical testing. Allele origin: germline. Affected: no.

Fulgent Genetics
Classification: Benign for Mitochondrial complex I deficiency, nuclear type 7. Last evaluated: 2021-08-11. Review status: criteria provided, single submitter. Criteria: ACMG Guidelines, 2015. Collection method: clinical testing. Allele origin: unknown.

Illumina Laboratory Services, Illumina
Classification: Benign for Mitochondrial complex I deficiency, nuclear type 1. Last evaluated: 2018-03-06. Review status: criteria provided, single submitter. Criteria: ICSL Variant Classification Criteria 13 December 2019. Collection method: clinical testing. Allele origin: germline.
Comment: This variant was observed in the ICSL laboratory as part of a predisposition screen in an ostensibly healthy population. It had not been previously curated by ICSL or reported in the Human Gene Mutation Database (HGMD: prior to June 1st, 2018), and was therefore a candidate for classification through an automated scoring system. Utilizing variant allele frequency, disease prevalence and penetrance estimates, and inheritance mode, an automated score was calculated to assess if this variant is too frequent to cause the disease. Based on the score and internal cut-off values, a variant classified as benign is not then subjected to further curation. The score for this variant resulted in a classification of benign for this disease.

GeneDx
Classification: Benign. Last evaluated: 2013-01-03. Review status: criteria provided, single submitter. Criteria: GeneDx Variant Classification (06012015). Collection method: clinical testing. Allele origin: germline. Affected: yes.
Comment: This variant is considered likely benign or benign based on one or more of the following criteria: it is a conservative change, it occurs at a poorly conserved position in the protein, it is predicted to be benign by multiple in silico algorithms, and/or has population frequency not consistent with disease.

Breakthrough Genomics
Classification: Benign. Review status: criteria provided, single submitter. Criteria: ACMG Guidelines, 2015. Collection method: not provided. Allele origin: germline. Inheritance: Autosomal recessive inheritance. Affected: yes.

Mayo Clinic Laboratories, Mayo Clinic
Classification: Benign. Last evaluated: 2016-02-19. Review status: no assertion criteria provided. Collection method: clinical testing. Allele origin: unknown. Not counted in ClinVar's aggregate classification.

OMIM
Classification: Uncertain significance for RECLASSIFIED - VARIANT OF UNKNOWN SIGNIFICANCE. Last evaluated: 1998-04-01. Review status: no assertion criteria provided. Collection method: literature only. Allele origin: germline. Not counted in ClinVar's aggregate classification.

Genetic Services Laboratory, University of Chicago
Classification: Likely benign for AllHighlyPenetrant. Review status: no assertion criteria provided. Collection method: clinical testing. Allele origin: germline. Inheritance: Autosomal recessive inheritance. Not counted in ClinVar's aggregate classification.
Comment: Likely benign based on allele frequency in 1000 Genomes Project or ESP global frequency and its presence in a patient with a rare or unrelated disease phenotype. NOT Sanger confirmed.

Literature cited by the submitters: PubMed 9570948 (cited by OMIM).